The following is an entry in ClinVar:

NM_033409.4(SLC52A3):c.485G>T (p.Gly162Val)

Gene: SLC52A3 (solute carrier family 52 member 3; minus strand). Cytogenetic location: 20p13.
Variant type: single nucleotide variant.
Coding change: c.485G>T on transcript NM_033409.4 (MANE Select); coding-DNA position 485, G replaced by T.
Protein change: p.Gly162Val; replaces glycine 162 with valine.
Molecular consequence: missense variant.
Genome position (GRCh38, 1-based): chr20:765,290, C>A on the plus strand (G>T on the coding strand, the complement: SLC52A3 is on the minus strand). VCF-style: chr20-765290-C-A. GRCh37 (hg19) VCF-style: chr20-745934-C-A.
Other names: c.485G>T, p.Gly162Val (NM_001370085.1, NM_001370086.1); short protein forms G162V.
Identifiers: ClinVar variation 844883 (VCV000844883.9), dbSNP rs1986638928, ClinGen allele CA407963739.

ClinVar aggregate classification (germline): Uncertain significance (1 of 4 stars; one submission).

Conditions:
Brown-Vialetto-van Laere syndrome 1. Also called: BROWN-VIALETTO-VAN LAERE SYNDROME 1, MILD; BULBAR PALSY, PROGRESSIVE, WITH SENSORINEURAL DEAFNESS; PONTOBULBAR PALSY WITH DEAFNESS. Identifiers: Orphanet 572550, Orphanet 97229, MedGen C0796274, MONDO:0024537, OMIM 211530.

Submission:

Labcorp Genetics (formerly Invitae), Labcorp
Classification: Uncertain significance for Brown-Vialetto-van Laere syndrome 1. Last evaluated: 2019-11-26. Review status: criteria provided, single submitter. Criteria: Invitae Variant Classification Sherloc (09022015). Collection method: clinical testing. Allele origin: germline.
Comment: In summary, the available evidence is currently insufficient to determine the role of this variant in disease. Therefore, it has been classified as a Variant of Uncertain Significance. Algorithms developed to predict the effect of missense changes on protein structure and function are either unavailable or do not agree on the potential impact of this missense change (SIFT: "Deleterious"; PolyPhen-2: "Probably Damaging"; Align-GVGD: "Class C15"). This variant has not been reported in the literature in individuals with SLC52A3-related conditions. This variant is not present in population databases (ExAC no frequency). This sequence change replaces glycine with valine at codon 162 of the SLC52A3 protein (p.Gly162Val). The glycine residue is highly conserved and there is a moderate physicochemical difference between glycine and valine.